The following is an entry in ClinVar:

ClinVar aggregate classification (germline): Likely benign. Review status: criteria provided, multiple submitters, no conflicts (2 of 4 stars). 5 submissions from 5 submitters: Likely benign (5). Last evaluated 2025-05-09.

Conditions:
Cardiovascular phenotype. Identifiers: MedGen CN230736.
Dilated cardiomyopathy 1G (CMD1G). Identifiers: Orphanet 154, MedGen C1858763, MONDO:0011400, OMIM 604145.
Autosomal recessive limb-girdle muscular dystrophy type 2J (LGMDR10). Also called: MUSCULAR DYSTROPHY, LIMB-GIRDLE, AUTOSOMAL RECESSIVE 10; Limb-girdle muscular dystrophy, type 2J. Identifiers: Orphanet 140922, MedGen C1837342, MONDO:0012127, OMIM 608807.

Allele frequency attached by ClinVar (database versions not stated): TOPMed 0.00002; gnomAD exomes 0.00007; 1000 Genomes Project 30x 0.00016; 1000 Genomes Project 0.00020.

Submissions (5):

Labcorp Genetics (formerly Invitae), Labcorp
Classification: Likely benign for Dilated cardiomyopathy 1G; Autosomal recessive limb-girdle muscular dystrophy type 2J. Last evaluated: 2025-05-09. Review status: criteria provided, single submitter. Criteria: Invitae Variant Classification Sherloc (09022015). Collection method: clinical testing. Allele origin: germline.

Molecular Diagnostic Laboratory for Inherited Cardiovascular Disease, Montreal Heart Institute
Classification: Likely benign. Last evaluated: 2025-04-09. Review status: criteria provided, single submitter. Criteria: ACMG Guidelines, 2015. Collection method: clinical testing. Allele origin: germline. Affected: no.

CeGaT Center for Human Genetics Tuebingen
Classification: Likely benign. Last evaluated: 2023-12-01. Review status: criteria provided, single submitter. Criteria: CeGaT Center For Human Genetics Tuebingen Variant Classification Criteria Version 2. Collection method: clinical testing. Allele origin: germline. Affected: yes. Observed: 1 variant allele.
Comment: TTN: BP4, BP7

Ambry Genetics
Classification: Likely benign for Cardiovascular phenotype. Last evaluated: 2020-03-26. Review status: criteria provided, single submitter. Criteria: Ambry Variant Classification Scheme 2023. Collection method: clinical testing. Allele origin: germline.

GeneDx
Classification: Likely benign. Last evaluated: 2018-01-29. Review status: criteria provided, single submitter. Criteria: GeneDx Variant Classification (06012015). Collection method: clinical testing. Allele origin: germline. Affected: yes.
Comment: This variant is considered likely benign or benign based on one or more of the following criteria: it is a conservative change, it occurs at a poorly conserved position in the protein, it is predicted to be benign by multiple in silico algorithms, and/or has population frequency not consistent with disease.

NM_001267550.2(TTN):c.41193G>A (p.Lys13731=)

Gene: TTN (titin; minus strand). Cytogenetic location: 2q31.2.
Variant type: single nucleotide variant.
Coding change: c.41193G>A on transcript NM_001267550.2 (MANE Select); coding-DNA position 41193, G replaced by A.
Protein change: p.Lys13731=; no amino-acid change (lysine 13731 retained).
Molecular consequence: synonymous variant.
Genome position (GRCh38, 1-based): chr2:178,636,534, C>T on the plus strand (G>A on the coding strand, the complement: TTN is on the minus strand). VCF-style: chr2-178636534-C-T. GRCh37 (hg19) VCF-style: chr2-179501261-C-T.
Other names: c.36270G>A, p.Lys12090= (NM_001256850.1); c.13998G>A, p.Lys4666= (NM_003319.4); c.33489G>A, p.Lys11163= (NM_133378.4); c.14373G>A, p.Lys4791= (NM_133432.3); c.14574G>A, p.Lys4858= (NM_133437.4).
Identifiers: ClinVar variation 514882 (VCV000514882.35), dbSNP rs559968058, ClinGen allele CA1996304.